The following is an entry in ClinVar:

ClinVar aggregate classification (germline): Uncertain significance (1 of 4 stars; one submission).

Submission:

Labcorp Genetics (formerly Invitae), Labcorp
Classification: Uncertain significance. Last evaluated: 2025-11-10. Review status: criteria provided, single submitter. Criteria: Invitae Variant Classification Sherloc (09022015). Collection method: clinical testing. Allele origin: germline.
Comment: This sequence change replaces glutamic acid, which is acidic and polar, with glycine, which is neutral and non-polar, at codon 449 of the ATR protein (p.Glu449Gly). This variant is not present in population databases (gnomAD no frequency). This variant has not been reported in the literature in individuals affected with ATR-related conditions. An algorithm developed to predict the effect of missense changes on protein structure and function (PolyPhen-2) suggests that this variant is likely to be tolerated. In summary, the available evidence is currently insufficient to determine the role of this variant in disease. Therefore, it has been classified as a Variant of Uncertain Significance.

NM_001184.4(ATR):c.1346A>G (p.Glu449Gly)

Gene: ATR (ATR checkpoint kinase; minus strand). Cytogenetic location: 3q23.
Variant type: single nucleotide variant.
Coding change: c.1346A>G on transcript NM_001184.4 (MANE Select); coding-DNA position 1346, A replaced by G.
Protein change: p.Glu449Gly; replaces glutamic acid 449 with glycine.
Molecular consequence: missense variant.
Genome position (GRCh38, 1-based): chr3:142,561,246, T>C on the plus strand (A>G on the coding strand, the complement: ATR is on the minus strand). VCF-style: chr3-142561246-T-C. GRCh37 (hg19) VCF-style: chr3-142280088-T-C.
Other names: c.1346A>G, p.Glu449Gly (NM_001354579.2); short protein forms E449G.
Identifiers: ClinVar variation 4772349 (VCV004772349.1).